The following is an entry in ClinVar:

ClinVar aggregate classification (germline): Uncertain significance (1 of 4 stars; one submission).

Submission:

CeGaT Center for Human Genetics Tuebingen
Classification: Uncertain significance. Last evaluated: 2024-07-01. Review status: criteria provided, single submitter. Criteria: CeGaT Center For Human Genetics Tuebingen Variant Classification Criteria Version 2. Collection method: clinical testing. Allele origin: germline. Affected: yes. Observed: 1 variant allele.
Comment: SMARCC2: PM2

NM_001330288.2(SMARCC2):c.3508A>G (p.Met1170Val)

Gene: SMARCC2 (SWI/SNF related BAF chromatin remodeling complex subunit C2; minus strand). Cytogenetic location: 12q13.2.
Variant type: single nucleotide variant.
Coding change: c.3508A>G on transcript NM_001330288.2 (MANE Select); coding-DNA position 3508, A replaced by G.
Protein change: p.Met1170Val; replaces methionine 1170 with valine.
Molecular consequence: missense variant. On other transcripts: intron variant (2).
Genome position (GRCh38, 1-based): chr12:56,164,456, T>C on the plus strand (A>G on the coding strand, the complement: SMARCC2 is on the minus strand). VCF-style: chr12-56164456-T-C. GRCh37 (hg19) VCF-style: chr12-56558240-T-C.
Other names: c.3415A>G, p.Met1139Val (NM_003075.5); c.3316+192A>G (NM_139067.4); c.3317-88A>G (NM_001130420.3); short protein forms M1139V, M1170V.
Identifiers: ClinVar variation 3257500 (VCV003257500.17).
Genomic context (GRCh38, chr12:56,164,456, plus strand): 5'-GAGGCAAGGAAGATGGCATGGTGGTGGTCGCCGGCAGGTTAGGATGTAGAGGGTTCGCCA[T>C]GGACACAGGCAGGTTAGGTGGGGGGAGAGTGCCCGGGGCGAACGGGAGATGGTGGTGATG-3'
Protein context (NP_001317217.1, residues 1160-1180): TLPPPNLPVS[Met1170Val]ANPLHPNLPA